The following is an entry in ClinVar:

ClinVar aggregate classification (germline): Uncertain significance. Review status: criteria provided, multiple submitters, no conflicts (2 of 4 stars). 2 submissions from 2 submitters: Uncertain significance (2). Last evaluated 2026-01-05.

Conditions:
Inborn genetic diseases. Identifiers: MedGen C0950123, MeSH D030342.
Senior-Loken syndrome 8 (SLSN8). Identifiers: Orphanet 3156, MedGen C4225376, MONDO:0014579, OMIM 616307.
Asphyxiating thoracic dystrophy 5 (SRTD5). Also called: SHORT-RIB THORACIC DYSPLASIA 5 WITH OR WITHOUT POLYDACTYLY; SHORT-RIB THORACIC DYSPLASIA 5 WITHOUT POLYDACTYLY. Identifiers: Orphanet 474, MedGen C3280598, MONDO:0013717, OMIM 614376.

Allele frequency attached by ClinVar (database versions not stated): gnomAD exomes below 0.00001 and 0.00001; ESP Exome Variant Server 0.00008; TOPMed below 0.00001; ExAC 0.00001; gnomAD 0.00001.
gnomAD v4.1: 2 of 1,612,782 alleles (0.00012%); highest among the groups gnomAD compares: African/African-American, 0.0027%; no homozygotes.

Submissions (2):

Labcorp Genetics (formerly Invitae), Labcorp
Classification: Uncertain significance for Senior-Loken syndrome 8; Asphyxiating thoracic dystrophy 5. Last evaluated: 2026-01-05. Review status: criteria provided, single submitter. Criteria: Invitae Variant Classification Sherloc (09022015). Collection method: clinical testing. Allele origin: germline.
Comment: This sequence change replaces isoleucine, which is neutral and non-polar, with leucine, which is neutral and non-polar, at codon 268 of the WDR19 protein (p.Ile268Leu). This variant is present in population databases (rs372022021, gnomAD 0.01%). This variant has not been reported in the literature in individuals affected with WDR19-related conditions. ClinVar contains an entry for this variant (Variation ID: 857775). Invitae Evidence Modeling of protein sequence and biophysical properties (such as structural, functional, and spatial information, amino acid conservation, physicochemical variation, residue mobility, and thermodynamic stability) indicates that this missense variant is not expected to disrupt WDR19 protein function with a negative predictive value of 80%. In summary, the available evidence is currently insufficient to determine the role of this variant in disease. Therefore, it has been classified as a Variant of Uncertain Significance.

Ambry Genetics
Classification: Uncertain significance for Inborn genetic diseases. Last evaluated: 2022-04-22. Review status: criteria provided, single submitter. Criteria: Ambry Variant Classification Scheme 2023. Collection method: clinical testing. Allele origin: germline.

NM_025132.4(WDR19):c.802A>T (p.Ile268Leu)

Gene: WDR19 (WD repeat domain 19; plus strand). Cytogenetic location: 4p14.
Variant type: single nucleotide variant.
Coding change: c.802A>T on transcript NM_025132.4 (MANE Select); coding-DNA position 802, A replaced by T.
Protein change: p.Ile268Leu; replaces isoleucine 268 with leucine.
Molecular consequence: missense variant.
Genome position (GRCh38, 1-based): chr4:39,205,648, A>T. VCF-style: chr4-39205648-A-T. GRCh37 (hg19) VCF-style: chr4-39207268-A-T.
Other names: c.322A>T, p.Ile108Leu (NM_001317924.2); short protein forms I108L, I268L.
Identifiers: ClinVar variation 857775 (VCV000857775.10), dbSNP rs372022021, ClinGen allele CA2891708.
Genomic context (GRCh38, chr4:39,205,648, plus strand): 5'-GGTTTTTCATGTGGACATTTTGTGGTCATTTCTACTCATACTGGAGAGCTTGGTCAAGAG[A>T]TATTTCAGGCTCGTAACCATAAAGATAATCTAACCAGCATTGCAGTATCACAGACTCTTA-3'
Protein context (NP_079408.3, residues 258-278): STHTGELGQE[Ile268Leu]FQARNHKDNL